The following is an entry in ClinVar:

ClinVar aggregate classification (germline): Uncertain significance (1 of 4 stars; one submission).

Conditions:
Shprintzen-Goldberg syndrome (SGS). Also called: CRANIOSYNOSTOSIS WITH ARACHNODACTYLY AND ABDOMINAL HERNIAS; SHPRINTZEN-GOLDBERG CRANIOSYNOSTOSIS SYNDROME; Marfanoid disorder with craniosynostosis type 1; Marfanoid craniosynostosis syndrome; Shprintzen-Goldberg marfanoid syndrome. Identifiers: Orphanet 2462, MedGen C1321551, MONDO:0008426, OMIM 182212.

Allele frequency attached by ClinVar (database versions not stated): gnomAD exomes below 0.00001.
gnomAD v4.1: 1 of 1,600,118 alleles (0.000062%); highest among the groups gnomAD compares: South Asian, 0.0011%; no homozygotes.

Submission:

Labcorp Genetics (formerly Invitae), Labcorp
Classification: Uncertain significance for Shprintzen-Goldberg syndrome. Last evaluated: 2024-05-15. Review status: criteria provided, single submitter. Criteria: Invitae Variant Classification Sherloc (09022015). Collection method: clinical testing. Allele origin: germline.
Comment: This sequence change replaces lysine, which is basic and polar, with arginine, which is basic and polar, at codon 200 of the SKI protein (p.Lys200Arg). This variant is present in population databases (no rsID available, gnomAD 0.003%). This variant has not been reported in the literature in individuals affected with SKI-related conditions. ClinVar contains an entry for this variant (Variation ID: 1720370). Advanced modeling of protein sequence and biophysical properties (such as structural, functional, and spatial information, amino acid conservation, physicochemical variation, residue mobility, and thermodynamic stability) has been performed at Invitae for this missense variant, however the output from this modeling did not meet the statistical confidence thresholds required to predict the impact of this variant on SKI protein function. In summary, the available evidence is currently insufficient to determine the role of this variant in disease. Therefore, it has been classified as a Variant of Uncertain Significance.

NM_003036.4(SKI):c.599A>G (p.Lys200Arg)

Gene: SKI (SKI proto-oncogene; plus strand). Cytogenetic location: 1p36.33.
Variant type: single nucleotide variant.
Coding change: c.599A>G on transcript NM_003036.4 (MANE Select); coding-DNA position 599, A replaced by G.
Protein change: p.Lys200Arg; replaces lysine 200 with arginine.
Molecular consequence: missense variant.
Genome position (GRCh38, 1-based): chr1:2,229,365, A>G. VCF-style: chr1-2229365-A-G. GRCh37 (hg19) VCF-style: chr1-2160804-A-G.
Other names: short protein forms K200R.
Identifiers: ClinVar variation 1720370 (VCV001720370.5), dbSNP rs1311731348, ClinGen allele CA337954274.
Genomic context (GRCh38, chr1:2,229,365, plus strand): 5'-CGGACGCCGAGCGCCTGTGCAACGCGCTGCTCTACGGCGGCGCCTACCCGCCGCCCTGCA[A>G]GAAGGAGCTGGCCGCCAGCCTGGCGCTGGGCCTGGAGCTCAGCGAGCGCAGCGTCCGCGT-3'
Protein context (NP_003027.1, residues 190-210): LYGGAYPPPC[Lys200Arg]KELAASLALG